The following is an entry in ClinVar:

ClinVar aggregate classification (germline): Uncertain significance. Review status: criteria provided, multiple submitters, no conflicts (2 of 4 stars). 2 submissions from 2 submitters: Uncertain significance (2). Last evaluated 2025-08-26.

Conditions:
Inborn genetic diseases. Identifiers: MedGen C0950123, MeSH D030342.

gnomAD v4.1: 1 of 1,614,210 alleles (0.000062%); highest among the groups gnomAD compares: Admixed American, 0.0017%; no homozygotes.

Submissions (2):

Ambry Genetics
Classification: Uncertain significance for Inborn genetic diseases. Last evaluated: 2025-08-26. Review status: criteria provided, single submitter. Criteria: Ambry Variant Classification Scheme 2023. Collection method: clinical testing. Allele origin: germline.

Labcorp Genetics (formerly Invitae), Labcorp
Classification: Uncertain significance. Last evaluated: 2024-03-10. Review status: criteria provided, single submitter. Criteria: Invitae Variant Classification Sherloc (09022015). Collection method: clinical testing. Allele origin: germline.
Comment: This sequence change replaces serine, which is neutral and polar, with threonine, which is neutral and polar, at codon 47 of the TCF20 protein (p.Ser47Thr). This variant is present in population databases (rs746733029, gnomAD 0.003%). This variant has not been reported in the literature in individuals affected with TCF20-related conditions. An algorithm developed to predict the effect of missense changes on protein structure and function (PolyPhen-2) suggests that this variant is likely to be tolerated. In summary, the available evidence is currently insufficient to determine the role of this variant in disease. Therefore, it has been classified as a Variant of Uncertain Significance.

NM_001378418.1(TCF20):c.140G>C (p.Ser47Thr)

Gene: TCF20 (transcription factor 20; minus strand). Cytogenetic location: 22q13.2.
Variant type: single nucleotide variant.
Coding change: c.140G>C on transcript NM_001378418.1 (MANE Select); coding-DNA position 140, G replaced by C.
Protein change: p.Ser47Thr; replaces serine 47 with threonine.
Molecular consequence: missense variant.
Genome position (GRCh38, 1-based): chr22:42,215,166, C>G on the plus strand (G>C on the coding strand, the complement: TCF20 is on the minus strand). VCF-style: chr22-42215166-C-G. GRCh37 (hg19) VCF-style: chr22-42611172-C-G.
Other names: c.140G>C, p.Ser47Thr (NM_005650.4, NM_181492.3); c.140G>C (NM_005650.1); short protein forms S47T.
Identifiers: ClinVar variation 3619787 (VCV003619787.3).